The following is an entry in ClinVar:

ClinVar aggregate classification (germline): Likely pathogenic (1 of 4 stars; one submission).

Submission:

Labcorp Genetics (formerly Invitae), Labcorp
Classification: Likely pathogenic. Last evaluated: 2023-04-17. Review status: criteria provided, single submitter. Criteria: Invitae Variant Classification Sherloc (09022015). Collection method: clinical testing. Allele origin: germline.
Comment: In summary, the currently available evidence indicates that the variant is pathogenic, but additional data are needed to prove that conclusively. Therefore, this variant has been classified as Likely Pathogenic. Algorithms developed to predict the effect of sequence changes on RNA splicing suggest that this variant may disrupt the consensus splice site. This variant has not been reported in the literature in individuals affected with CCDC88C-related conditions. This variant is not present in population databases (gnomAD no frequency). This sequence change affects an acceptor splice site in intron 20 of the CCDC88C gene. It is expected to disrupt RNA splicing. Variants that disrupt the donor or acceptor splice site typically lead to a loss of protein function (PMID: 16199547), and loss-of-function variants in CCDC88C are known to be pathogenic (PMID: 23042809, 29225145).

Literature cited by the submitters: PubMed 16199547; PubMed 23042809; PubMed 29225145.

NM_001080414.4(CCDC88C):c.3636-2A>C

Gene: CCDC88C (coiled-coil and HOOK domain protein 88C; minus strand). Cytogenetic location: 14q32.11.
Variant type: single nucleotide variant.
Coding change: c.3636-2A>C on transcript NM_001080414.4 (MANE Select); the canonical splice acceptor site of the intron before coding-DNA position 3636, A replaced by C.
Molecular consequence: splice acceptor variant.
Genome position (GRCh38, 1-based): chr14:91,300,072, T>G on the plus strand (A>C on the coding strand, the complement: CCDC88C is on the minus strand). VCF-style: chr14-91300072-T-G. GRCh37 (hg19) VCF-style: chr14-91766416-T-G.
Identifiers: ClinVar variation 2856936 (VCV002856936.3), dbSNP rs2544336575, ClinGen allele CA390620576.
Genomic context (GRCh38, chr14:91,300,072, plus strand): 5'-TGGTCAAGACCTTCTCCCGCTCCTCCAGCTCCGCCTTGCGCTTCAGCATGTCACCGTGCC[T>G]GTTGGAGGGAAGCACCTGCCGTGAGTCTGGCCAGGGCCTTCTTTTCCGACAGGTAACTCA-3'